The following is an entry in ClinVar:

NM_001365536.1(SCN9A):c.3810G>T (p.Leu1270Phe)

Genes: SCN1A-AS1 (SCN1A and SCN9A antisense RNA 1; plus strand), SCN9A (sodium voltage-gated channel alpha subunit 9; minus strand). Cytogenetic location: 2q24.3.
Variant type: single nucleotide variant.
Coding change: c.3810G>T on transcript NM_001365536.1 (MANE Select); coding-DNA position 3810, G replaced by T.
Protein change: p.Leu1270Phe; replaces leucine 1270 with phenylalanine.
Molecular consequence: missense variant.
Genome position (GRCh38, 1-based): chr2:166,233,454, C>A on the plus strand (G>T on the coding strand, the complement: SCN9A is on the minus strand). VCF-style: chr2-166233454-C-A. GRCh37 (hg19) VCF-style: chr2-167089964-C-A.
Other names: c.3777G>T, p.Leu1259Phe (NM_002977.4); short protein forms L1270F, L1259F.
Identifiers: ClinVar variation 955002 (VCV000955002.10), dbSNP rs988494694, ClinGen allele CA59812165.

ClinVar aggregate classification (germline): Uncertain significance (1 of 4 stars; one submission).

Conditions:
Generalized epilepsy with febrile seizures plus, type 7 (GEFSP7). Also called: GEFS+, TYPE 7. Identifiers: Orphanet 36387, MedGen C2751778, MONDO:0013470, OMIM 613863.
Neuropathy, hereditary sensory and autonomic, type 2A (HSAN2A). Also called: HSAN IIA; NEUROPATHY, CONGENITAL SENSORY; MORVAN DISEASE; NEUROPATHY, HEREDITARY SENSORY RADICULAR, AUTOSOMAL RECESSIVE; NEUROPATHY, HEREDITARY SENSORY, TYPE IIA; NEUROPATHY, PROGRESSIVE SENSORY, OF CHILDREN. Identifiers: Orphanet 970, MedGen C2752089, MONDO:0024309, OMIM 201300.

Allele frequency attached by ClinVar (database versions not stated): gnomAD exomes below 0.00001.
gnomAD v4.1: 4 of 1,564,858 alleles (0.00026%); highest among the groups gnomAD compares: South Asian, 0.0012%; no homozygotes.

Submission:

Labcorp Genetics (formerly Invitae), Labcorp
Classification: Uncertain significance for Neuropathy, hereditary sensory and autonomic, type 2A; Generalized epilepsy with febrile seizures plus, type 7. Last evaluated: 2025-04-08. Review status: criteria provided, single submitter. Criteria: Invitae Variant Classification Sherloc (09022015). Collection method: clinical testing. Allele origin: germline.
Comment: This sequence change replaces leucine, which is neutral and non-polar, with phenylalanine, which is neutral and non-polar, at codon 1259 of the SCN9A protein (p.Leu1259Phe). This variant is not present in population databases (gnomAD no frequency). This variant has not been reported in the literature in individuals affected with SCN9A-related conditions. ClinVar contains an entry for this variant (Variation ID: 955002). Invitae Evidence Modeling of protein sequence and biophysical properties (such as structural, functional, and spatial information, amino acid conservation, physicochemical variation, residue mobility, and thermodynamic stability) indicates that this missense variant is not expected to disrupt SCN9A protein function with a negative predictive value of 95%. Algorithms developed to predict the effect of sequence changes on RNA splicing suggest that this variant may create or strengthen a splice site. In summary, the available evidence is currently insufficient to determine the role of this variant in disease. Therefore, it has been classified as a Variant of Uncertain Significance.